The following is an entry in ClinVar:

NM_001148.6(ANK2):c.7205T>C (p.Val2402Ala)

Genes: ANK2 (ankyrin 2; plus strand), LOC126807137 (CDK7 strongly-dependent group 2 enhancer GRCh37_chr4:114276560-114277759; plus strand). Cytogenetic location: 4q26.
Variant type: single nucleotide variant.
Coding change: c.7205T>C on transcript NM_001148.6 (MANE Select); coding-DNA position 7205, T replaced by C.
Protein change: p.Val2402Ala; replaces valine 2402 with alanine.
Molecular consequence: missense variant. On other transcripts: intron variant (68).
Genome position (GRCh38, 1-based): chr4:113,355,823, T>C. VCF-style: chr4-113355823-T-C. GRCh37 (hg19) VCF-style: chr4-114276979-T-C.
Other names: c.6971T>C, p.Val2324Ala (NM_001386142.1); c.3605T>C, p.Val1202Ala (NM_001386166.1); c.7346T>C, p.Val2449Ala (NM_001386174.1); c.7322T>C, p.Val2441Ala (NM_001386175.1); c.4412-5000T>C (NM_001386186.2, NM_001386148.2); c.4214-5000T>C (NM_001354269.3); c.4292-5000T>C (NM_001386187.2); c.4253-5000T>C (NM_001386147.1); and 36 more; short protein forms V2402A, V1202A, V2324A, V2441A, V2449A.
Identifiers: ClinVar variation 67609 (VCV000067609.1), dbSNP rs199473345, ClinGen allele CA218799.

ClinVar aggregate classification (germline): not provided (0 of 4 stars; one submission).

Submission:

Cardiovascular Biomedical Research Unit, Royal Brompton & Harefield NHS Foundation Trust
No classification provided. Review status: no classification provided. Collection method: literature only. Allele origin: germline.
Comment: This variant has been reported in the following publications (PMID:17161064).

Literature cited by the submitters: PubMed 17161064; PubMed 22581653.